The following is an entry in ClinVar:

NM_007325.5(GRIA3):c.536A>G (p.Glu179Gly)

Gene: GRIA3 (glutamate ionotropic receptor AMPA type subunit 3; plus strand). Cytogenetic location: Xq25.
Variant type: single nucleotide variant.
Coding change: c.536A>G on transcript NM_007325.5 (MANE Select); coding-DNA position 536, A replaced by G.
Protein change: p.Glu179Gly; replaces glutamic acid 179 with glycine.
Molecular consequence: missense variant.
Genome position (GRCh38, 1-based): chrX:123,326,053, A>G. VCF-style: chrX-123326053-A-G. GRCh37 (hg19) VCF-style: chrX-122459904-A-G.
Other names: c.536A>G, p.Glu179Gly (NM_000828.5); short protein forms E179G.
Identifiers: ClinVar variation 2585422 (VCV002585422.1), dbSNP rs2520949750, ClinGen allele CA414261112.

ClinVar aggregate classification (germline): Uncertain significance (1 of 4 stars; one submission).

Conditions:
Syndromic X-linked intellectual disability 94 (MRXSW). Also called: MENTAL RETARDATION, X-LINKED, SYNDROMIC 29; X-linked intellectual disability due to GRIA3 anomalies. Identifiers: Orphanet 364028, MedGen C2678051, MONDO:0010402, OMIM 300699.

Submission:

Neuberg Centre For Genomic Medicine, NCGM
Classification: Uncertain significance for Syndromic X-linked intellectual disability 94. Review status: criteria provided, single submitter. Criteria: ACMG Guidelines, 2015. Collection method: clinical testing. Allele origin: germline. Inheritance: X-linked inheritance. Affected: yes.
Comment: The missense variant c.536A>G (p.Glu179Gly) in GRIA3 gene has not been reported previously as a pathogenic variant nor as a benign variant, to our knowledge. The p.Glu179Gly variant is novel (not in any individuals) in gnomAD Exomes and 1000 Genomes. The amino acid Glu at position 179 is changed to a Gly changing protein sequence and it might alter its composition and physico-chemical properties. The amino acid change p.Glu179Gly in GRIA3 is predicted as conserved by GERP++ and PhyloP across 100 vertebrates. For these reasons, this variant has been classified as Uncertain Significance .